The following is an entry in ClinVar:

ClinVar aggregate classification (germline): Pathogenic/Likely pathogenic. Review status: criteria provided, multiple submitters, no conflicts (2 of 4 stars). 2 submissions from 2 submitters: Pathogenic (1); Likely pathogenic (1). Last evaluated 2022-05-12.

Conditions:
ALPK3-related autosomal dominant hypertrophic cardiomyopathy.

Submissions (2):

Labcorp Genetics (formerly Invitae), Labcorp
Classification: Pathogenic. Last evaluated: 2022-05-12. Review status: criteria provided, single submitter. Criteria: Invitae Variant Classification Sherloc (09022015). Collection method: clinical testing. Allele origin: germline.
Comment: This variant has not been reported in the literature in individuals affected with ALPK3-related conditions. This variant is not present in population databases (gnomAD no frequency). This sequence change creates a premature translational stop signal (p.Glu456Aspfs*2) in the ALPK3 gene. It is expected to result in an absent or disrupted protein product. Loss-of-function variants in ALPK3 are known to be pathogenic (PMID: 21441111, 26846950, 27106955, 34263907). For these reasons, this variant has been classified as Pathogenic.

Clinical Genetics Service, Universitary Hospital 12 de Octubre
Classification: Likely pathogenic for ALPK3-related autosomal dominant hypertrophic cardiomyopathy. Review status: criteria provided, single submitter. Criteria: ACMG Guidelines, 2015. Collection method: clinical testing. Allele origin: germline. Affected: yes.

Literature cited by the submitters: PubMed 21441111 (cited by Labcorp Genetics (formerly Invitae), Labcorp); PubMed 26846950 (cited by Labcorp Genetics (formerly Invitae), Labcorp); PubMed 27106955 (cited by Labcorp Genetics (formerly Invitae), Labcorp); PubMed 34263907 (cited by Labcorp Genetics (formerly Invitae), Labcorp).

NM_020778.5(ALPK3):c.762_763del (p.Glu254fs)

Gene: ALPK3 (alpha kinase 3; plus strand). Cytogenetic location: 15q25.3.
Variant type: Microsatellite.
Coding change: c.762_763del on transcript NM_020778.5 (MANE Select); coding-DNA positions 762 to 763, 2 bases deleted (GA; older notation c.762_763delGA).
Protein change: p.Glu254fs; shifts the reading frame from glutamic acid 254.
Molecular consequence: frameshift variant.
Genome position (GRCh38, 1-based): chr15:84,840,041-84,840,042, GA deleted; deleting any 2 consecutive bases within chr15:84,840,037-84,840,042 gives the same sequence; the c. name uses the placement nearest the transcript's 3' end. VCF-style (leftmost placement, unchanged base first): chr15-84840036-GGA-G. GRCh37 (hg19) VCF-style: chr15-85383267-GGA-G.
Other names: c.1368_1369del (NM_020778.4); short protein forms E254fs.
Identifiers: ClinVar variation 1454150 (VCV001454150.7), dbSNP rs2141556595, ClinGen allele CA2580613305.